The following is an entry in ClinVar:

NM_005901.6(SMAD2):c.236+4A>G

Gene: SMAD2 (SMAD family member 2; minus strand). Cytogenetic location: 18q21.1.
Variant type: single nucleotide variant.
Coding change: c.236+4A>G on transcript NM_005901.6 (MANE Select); 4 bases into the intron after coding-DNA position 236, A replaced by G.
Molecular consequence: intron variant.
Genome position (GRCh38, 1-based): chr18:47,896,517, T>C on the plus strand (A>G on the coding strand, the complement: SMAD2 is on the minus strand). VCF-style: chr18-47896517-T-C. GRCh37 (hg19) VCF-style: chr18-45422888-T-C.
Other names: c.236+4A>G (NM_001135937.3, NM_001003652.4).
Identifiers: ClinVar variation 1482335 (VCV001482335.6), dbSNP rs2033445585, ClinGen allele CA2301490836.

ClinVar aggregate classification (germline): Uncertain significance (1 of 4 stars; one submission).

Allele frequency attached by ClinVar (database versions not stated): gnomAD exomes below 0.00001; TOPMed below 0.00001.
gnomAD v4.1: 1 of 1,614,120 alleles (0.000062%); highest among the groups gnomAD compares: East Asian, 0.0022%; no homozygotes.

Submission:

Labcorp Genetics (formerly Invitae), Labcorp
Classification: Uncertain significance. Last evaluated: 2021-05-19. Review status: criteria provided, single submitter. Criteria: Invitae Variant Classification Sherloc (09022015). Collection method: clinical testing. Allele origin: germline.
Comment: This sequence change falls in intron 2 of the SMAD2 gene. It does not directly change the encoded amino acid sequence of the SMAD2 protein. It affects a nucleotide within the consensus splice site of the intron. This variant is not present in population databases (ExAC no frequency). This variant has not been reported in the literature in individuals with SMAD2-related conditions. Nucleotide substitutions within the consensus splice site are a relatively common cause of aberrant splicing (PMID: 17576681, 9536098). Algorithms developed to predict the effect of sequence changes on RNA splicing suggest that this variant may create or strengthen a splice site, but this prediction has not been confirmed by published transcriptional studies. In summary, the available evidence is currently insufficient to determine the role of this variant in disease. Therefore, it has been classified as a Variant of Uncertain Significance.

Literature cited by the submitters: PubMed 17576681; PubMed 9536098.